The following is an entry in ClinVar:

ClinVar aggregate classification (germline): Uncertain significance (1 of 4 stars; one submission).

Conditions:
Regional enteritis. Also called: Enteritis, Granulomatous. Identifiers: MedGen C0678202, MeSH D003424.
Blau syndrome (BLAUS). Also called: ARTHROCUTANEOUVEAL GRANULOMATOSIS; GRANULOMATOSIS, FAMILIAL JUVENILE SYSTEMIC; GRANULOMATOSIS, FAMILIAL, BLAU TYPE; GRANULOMATOUS INFLAMMATORY ARTHRITIS, DERMATITIS, AND UVEITIS, FAMILIAL; JABS SYNDROME. Identifiers: Orphanet 90340, MedGen C5201146, MONDO:0008523, OMIM 186580.

Submission:

Labcorp Genetics (formerly Invitae), Labcorp
Classification: Uncertain significance for Regional enteritis; Blau syndrome. Last evaluated: 2022-11-02. Review status: criteria provided, single submitter. Criteria: Invitae Variant Classification Sherloc (09022015). Collection method: clinical testing. Allele origin: germline.
Comment: This sequence change replaces lysine, which is basic and polar, with asparagine, which is neutral and polar, at codon 436 of the NOD2 protein (p.Lys436Asn). This variant is not present in population databases (gnomAD no frequency). This variant has not been reported in the literature in individuals affected with NOD2-related conditions. Advanced modeling of protein sequence and biophysical properties (such as structural, functional, and spatial information, amino acid conservation, physicochemical variation, residue mobility, and thermodynamic stability) performed at Invitae indicates that this missense variant is not expected to disrupt NOD2 protein function. In summary, the available evidence is currently insufficient to determine the role of this variant in disease. Therefore, it has been classified as a Variant of Uncertain Significance.

NM_001370466.1(NOD2):c.1227G>T (p.Lys409Asn)

Gene: NOD2 (nucleotide binding oligomerization domain containing 2; plus strand). Cytogenetic location: 16q12.1.
Variant type: single nucleotide variant.
Coding change: c.1227G>T on transcript NM_001370466.1 (MANE Select); coding-DNA position 1227, G replaced by T.
Protein change: p.Lys409Asn; replaces lysine 409 with asparagine.
Molecular consequence: missense variant. On other transcripts: non-coding transcript variant (1).
Genome position (GRCh38, 1-based): chr16:50,711,219, G>T. VCF-style: chr16-50711219-G-T. GRCh37 (hg19) VCF-style: chr16-50745130-G-T.
Other names: c.1227G>T, p.Lys409Asn (NM_001293557.2); c.1308G>T, p.Lys436Asn (NM_022162.3); short protein forms K409N, K436N.
Identifiers: ClinVar variation 2941226 (VCV002941226.3), dbSNP rs748068611, ClinGen allele CA395868648.